The following is an entry in ClinVar:

ClinVar aggregate classification (germline): Conflicting classifications of pathogenicity. Review status: criteria provided, conflicting classifications (1 of 4 stars). 3 submissions from 3 submitters: Uncertain significance (1); Likely benign (1). 1 of the submissions does not count toward it. Last evaluated 2016-09-14.

Conditions:
Hereditary cancer-predisposing syndrome. Also called: Tumor predisposition; Hereditary neoplastic syndrome; Hereditary Cancer Syndrome; Neoplastic Syndromes, Hereditary. Identifiers: Orphanet 140162, MedGen C0027672, MeSH D009386, MONDO:0015356.
Breast-ovarian cancer, familial, susceptibility to, 1 (BROVCA1). Also called: BRCA1 Hereditary Breast and Ovarian Cancer; OVARIAN CANCER, SUSCEPTIBILITY TO. Identifiers: Orphanet 145, MedGen C2676676, MONDO:0011450, OMIM 604370. Disease mechanism: loss of function.

Allele frequency attached by ClinVar (database versions not stated): gnomAD exomes below 0.00001.
gnomAD v4.1: 1 of 1,613,794 alleles (0.000062%); highest among the groups gnomAD compares: Non-Finnish European, 0.000085%; no homozygotes.

Submissions (3):

GeneDx
Classification: Uncertain significance. Last evaluated: 2016-09-14. Review status: criteria provided, single submitter. Criteria: GeneDx Variant Classification (06012015). Collection method: clinical testing. Allele origin: germline. Affected: yes.
Comment: This variant is denoted BRCA1 c.4343G>A at the cDNA level, p.Ser1448Asn (S1448N) at the protein level, and results in the change of a Serine to an Asparagine (AGC>AAC). Using alternate nomenclature, this variant would be defined as BRCA1 4462G>A. This variant has not, to our knowledge, been published in the literature as pathogenic or benign. BRCA1 Ser1448Asn was not observed in approximately 6,500 individuals of European and African American ancestry in the NHLBI Exome Sequencing Project, suggesting it is not a common benign variant in these populations. Since Serine and Asparagine share similar properties, this is considered a conservative amino acid substitution. BRCA1 Ser1448Asn occurs at a position that is not conserved and is located in the SCD domain and the regions of interaction with ATM, CHEK2, CDK2 and BRCA2 (Chen 1998, Narod 2004, Clark 2012). In silico analyses predict that this variant is unlikely to alter protein structure or function. Based on currently available evidence, it is unclear whether BRCA1 Ser1448Asn is a pathogenic or benign variant. We consider it to be a variant of uncertain significance.

Ambry Genetics
Classification: Likely benign for Hereditary cancer-predisposing syndrome. Last evaluated: 2015-07-16. Review status: criteria provided, single submitter. Criteria: Ambry Variant Classification Scheme 2023. Collection method: clinical testing. Allele origin: germline.

Breast Cancer Information Core (BIC) (BRCA1)
Classification: Uncertain significance for Breast-ovarian cancer, familial 1. Last evaluated: 2002-05-29. Review status: no assertion criteria provided. Collection method: clinical testing. Allele origin: germline. Affected: yes. Observed: 1 variant allele. Not counted in ClinVar's aggregate classification.

NM_007294.4(BRCA1):c.4343G>A (p.Ser1448Asn)

Gene: BRCA1 (BRCA1 DNA repair associated; minus strand). Cytogenetic location: 17q21.31.
Variant type: single nucleotide variant.
Coding change: c.4343G>A on transcript NM_007294.4 (MANE Select); coding-DNA position 4343, G replaced by A.
Protein change: p.Ser1448Asn; replaces serine 1448 with asparagine.
Molecular consequence: missense variant. On other transcripts: non-coding transcript variant (1).
Genome position (GRCh38, 1-based): chr17:43,082,418, C>T on the plus strand (G>A on the coding strand, the complement: BRCA1 is on the minus strand). VCF-style: chr17-43082418-C-T. GRCh37 (hg19) VCF-style: chr17-41234435-C-T.
Other names: S1448T; c.4130G>A, p.Ser1377Asn (NM_001407571.1, NM_001407853.1, NM_001407894.1 and 12 more transcripts); c.4343G>A, p.Ser1448Asn (NM_001407581.1, NM_001407582.1, NM_001407583.1 and 23 more transcripts); c.4340G>A, p.Ser1447Asn (NM_001407587.1, NM_001407590.1, NM_001407591.1 and 21 more transcripts); c.4337G>A, p.Ser1446Asn (NM_001407627.1, NM_001407644.1, NM_001407645.1 and 5 more transcripts); c.4331G>A, p.Ser1444Asn (NM_001407646.1, NM_001407647.1); c.4259G>A, p.Ser1420Asn (NM_001407660.1, NM_001407659.1); c.4262G>A, p.Ser1421Asn (NM_001407661.1, NM_001407662.1, NM_001407663.1 and 1 more transcripts); and 52 more; short protein forms S1448N, S1401N, S345N, S1152N, S1279N, S1335N, S1358N, S1360N.
Identifiers: ClinVar variation 125707 (VCV000125707.8), dbSNP rs80357354, ClinGen allele CA002777.